The following is an entry in ClinVar:

ClinVar aggregate classification (germline): Likely pathogenic (1 of 4 stars; one submission).

Submission:

GeneDx
Classification: Likely pathogenic. Last evaluated: 2015-01-14. Review status: criteria provided, single submitter. Criteria: GeneDx Variant Classification (06012015). Collection method: clinical testing. Allele origin: germline. Affected: yes.
Comment: c.380_382delACCinsCCT: p.Asp127_His128delinsAlaTyr (D127_H128delinsAY) in exon 5 of the SURF1 gene (NM_003172.2) The normal sequence with the deleted bases in braces and the inserted sequence in brackets is: TTTG{delACC} [insCCT]ATTC. c.380_382delACCinsCCT deletion of 3 nucleotides and insertion of 3 nucleotides causes the replacement of the Aspartic acid at position 127 with an Alanine and the replacement of the Histidine at position 128 with a Tyrosine, denoted p.D127_H128delinsAY. The D127A and H128Y variants are non-conservative amino acid substitutions, which are likely to impact secondary protein structure as these residues differ in polarity, charge, size and/or other properties. Both the D127A and H128Y substitutions occur at positions that are highly conserved across species. In silico analysis predicts that both D127A and H128Y separately are probably damaging to the protein structure/function. Missense mutations in nearby residues (G124E, G124R) have been reported in association with Leigh syndrome and mitochondrial complex IV deficiency, supporting the functional importance of this region of the protein. Therefore, the c.380_382delACCinsCCT variant is a strong candidate for a pathogenic mutation, however the possibility that it is a benign variant cannot be excluded. The variant is found in LSME-MITOP panel(s).

NM_003172.4(SURF1):c.380_382delinsCCT (p.Asp127_His128delinsAlaTyr)

Gene: SURF1 (SURF1 cytochrome c oxidase assembly factor; minus strand). Cytogenetic location: 9q34.2.
Variant type: Indel.
Coding change: c.380_382delinsCCT on transcript NM_003172.4 (MANE Select); coding-DNA positions 380 to 382, ACC replaced by CCT.
Protein change: p.Asp127_His128delinsAlaTyr.
Molecular consequence: missense variant.
Genome position (GRCh38, 1-based): chr9:133,353,882-133,353,884, GGT replaced by AGG on the plus strand (ACC replaced by CCT on the coding strand, the reverse complement: SURF1 is on the minus strand). VCF-style: chr9-133353882-GGT-AGG. GRCh37 (hg19) VCF-style: chr9-136220737-GGT-AGG.
Other names: c.53_55delinsCCT, p.Asp18_His19delinsAlaTyr (NM_001280787.1).
Identifiers: ClinVar variation 215243 (VCV000215243.1), dbSNP rs863224230, ClinGen allele CA322599.